The following is an entry in ClinVar:

ClinVar aggregate classification (germline): Likely pathogenic (1 of 4 stars; one submission).

Conditions:
GIGYF1-related disorder. Also called: GIGYF1-related condition.

Submission:

PreventionGenetics, part of Exact Sciences
Classification: Likely pathogenic for GIGYF1-related condition. Last evaluated: 2025-04-03. Review status: criteria provided, single submitter. Criteria: ACMG Guidelines, 2015. Collection method: clinical testing. Allele origin: germline.
Comment: The GIGYF1 c.2137C>T variant is predicted to result in premature protein termination (p.Gln713*). To our knowledge, this variant has not been reported in the literature or in a large population database (gnomAD), indicating this variant is rare. Nonsense variants in GIGYF1 are expected to be pathogenic. This variant is interpreted as likely pathogenic.

NM_001375765.1(GIGYF1):c.2137C>T (p.Gln713Ter)

Gene: GIGYF1 (GRB10 interacting GYF protein 1; minus strand). Cytogenetic location: 7q22.1.
Variant type: single nucleotide variant.
Coding change: c.2137C>T on transcript NM_001375765.1 (MANE Select); coding-DNA position 2137, C replaced by T.
Protein change: p.Gln713Ter; replaces glutamine 713 with a stop codon.
Molecular consequence: nonsense. On other transcripts: non-coding transcript variant (1).
Genome position (GRCh38, 1-based): chr7:100,683,360, G>A on the plus strand (C>T on the coding strand, the complement: GIGYF1 is on the minus strand). VCF-style: chr7-100683360-G-A. GRCh37 (hg19) VCF-style: chr7-100280983-G-A.
Other names: NM_022574.4:c.2137C>T; c.2137C>T, p.Gln713Ter (NM_001375759.1, NM_001375760.1, NM_001375761.1 and 6 more transcripts); short protein forms Q713*.
Identifiers: ClinVar variation 4999534 (VCV004999534.1).